The following is an entry in ClinVar:

ClinVar aggregate classification (germline): Uncertain significance (1 of 4 stars; one submission).

Submission:

Labcorp Genetics (formerly Invitae), Labcorp
Classification: Uncertain significance. Last evaluated: 2020-11-23. Review status: criteria provided, single submitter. Criteria: Invitae Variant Classification Sherloc (09022015). Collection method: clinical testing. Allele origin: germline.
Comment: This variant results in a copy number gain of the genomic region encompassing exon 5 of the TMEM5 gene. While the exact position of this variant cannot be determined from this data, sub-genic copy number gains are generally in tandem (PMID: 25640679). This variant would be expected to be in-frame, preserving the integrity of the reading frame. This variant has not been reported in the literature in individuals with TMEM5-related disease. In summary, the available evidence is currently insufficient to determine the role of this variant in disease. Therefore, it has been classified as a Variant of Uncertain Significance.

Literature cited by the submitters: PubMed 25640679.

NC_000012.11:g.(?_64199004)_(64199194_?)dup

Gene: RXYLT1 (ribitol xylosyltransferase 1; plus strand). Cytogenetic location: 12q14.2.
Variant type: Duplication.
Identifiers: ClinVar variation 2425931 (VCV002425931.2).